The following is an entry in ClinVar:

ClinVar aggregate classification (germline): Uncertain significance (1 of 4 stars; one submission).

Conditions:
Immunodeficiency 35 (IMD35). Also called: HIES WITH ATYPICAL MYCOBACTERIOSIS, AUTOSOMAL RECESSIVE; HYPER-IgE SYNDROME WITH ATYPICAL MYCOBACTERIOSIS, AUTOSOMAL RECESSIVE; TYK2 DEFICIENCY; Susceptibility to infection due to TYK2 deficiency. Identifiers: Orphanet 331226, MedGen C1969086, MONDO:0012682, OMIM 611521.

gnomAD v4.1: 4 of 1,612,320 alleles (0.00025%); highest among the groups gnomAD compares: Middle Eastern, 0.033%; no homozygotes.

Submission:

Labcorp Genetics (formerly Invitae), Labcorp
Classification: Uncertain significance for Immunodeficiency 35. Last evaluated: 2024-07-16. Review status: criteria provided, single submitter. Criteria: Invitae Variant Classification Sherloc (09022015). Collection method: clinical testing. Allele origin: germline.
Comment: This sequence change replaces glutamine, which is neutral and polar, with histidine, which is basic and polar, at codon 225 of the TYK2 protein (p.Gln225His). This variant is present in population databases (no rsID available, gnomAD 0.01%). This variant has not been reported in the literature in individuals affected with TYK2-related conditions. Advanced modeling of protein sequence and biophysical properties (such as structural, functional, and spatial information, amino acid conservation, physicochemical variation, residue mobility, and thermodynamic stability) performed at Invitae indicates that this missense variant is not expected to disrupt TYK2 protein function with a negative predictive value of 80%. In summary, the available evidence is currently insufficient to determine the role of this variant in disease. Therefore, it has been classified as a Variant of Uncertain Significance.

NM_003331.5(TYK2):c.675G>T (p.Gln225His)

Gene: TYK2 (tyrosine kinase 2; minus strand). Cytogenetic location: 19p13.2.
Variant type: single nucleotide variant.
Coding change: c.675G>T on transcript NM_003331.5 (MANE Select); coding-DNA position 675, G replaced by T.
Protein change: p.Gln225His; replaces glutamine 225 with histidine.
Molecular consequence: missense variant. On other transcripts: intron variant (1).
Genome position (GRCh38, 1-based): chr19:10,365,853, C>A on the plus strand (G>T on the coding strand, the complement: TYK2 is on the minus strand). VCF-style: chr19-10365853-C-A. GRCh37 (hg19) VCF-style: chr19-10476529-C-A.
Other names: c.675G>T, p.Gln225His (NM_001385197.1, NM_001385198.1, NM_001385199.1 and 8 more transcripts); c.630-45G>T (NM_001385205.1); short protein forms Q225H.
Identifiers: ClinVar variation 3708762 (VCV003708762.2).